The following is an entry in ClinVar:

ClinVar aggregate classification (germline): Conflicting classifications of pathogenicity. Review status: criteria provided, conflicting classifications (1 of 4 stars). 2 submissions from 2 submitters: Likely pathogenic (1); Uncertain significance (1). Last evaluated 2026-09-15.

Conditions:
Immunodeficiency 23 (IMD23). Also called: IMMUNODEFICIENCY WITH HYPER IgE AND COGNITIVE IMPAIRMENT; IMMUNODEFICIENCY-VASCULITIS-MYOCLONUS SYNDROME. Identifiers: Orphanet 443811, MedGen C4014371, MONDO:0014353, OMIM 615816.

Submissions (2):

GeneDx
Classification: Likely pathogenic. Last evaluated: 2026-09-15. Review status: criteria provided, single submitter. Criteria: GeneDx Variant Classification Process June 2021. Collection method: clinical testing. Allele origin: germline.
Comment: Not observed at significant frequency in large population cohorts (gnomAD); In silico analysis supports that this missense variant has a deleterious effect on protein structure/function; This variant is associated with the following publications: (PMID: 32531373, 33534079)

Labcorp Genetics (formerly Invitae), Labcorp
Classification: Uncertain significance for Immunodeficiency 23. Last evaluated: 2017-07-12. Review status: criteria provided, single submitter. Criteria: Invitae Variant Classification Sherloc (09022015). Collection method: clinical testing. Allele origin: germline.
Comment: This sequence change replaces methionine with threonine at codon 451 of the PGM3 protein (p.Met451Thr). The methionine residue is highly conserved and there is a moderate physicochemical difference between methionine and threonine. This variant is not present in population databases (ExAC no frequency). This variant has not been reported in the literature in individuals with PGM3-related disease. Algorithms developed to predict the effect of missense changes on protein structure and function (SIFT, PolyPhen-2, Align-GVGD) all suggest that this variant is likely to be disruptive, but these predictions have not been confirmed by published functional studies and their clinical significance is uncertain. In summary, the available evidence is currently insufficient to determine the role of this variant in disease. Therefore, it has been classified as a Variant of Uncertain Significance.

NM_015599.3(PGM3):c.1268T>C (p.Met423Thr)

Gene: PGM3 (phosphoglucomutase 3; minus strand). Cytogenetic location: 6q14.1.
Variant type: single nucleotide variant.
Coding change: c.1268T>C on transcript NM_015599.3 (MANE Select); coding-DNA position 1268, T replaced by C.
Protein change: p.Met423Thr; replaces methionine 423 with threonine.
Molecular consequence: missense variant. On other transcripts: non-coding transcript variant (1), intron variant (1).
Genome position (GRCh38, 1-based): chr6:83,172,034, A>G on the plus strand (T>C on the coding strand, the complement: PGM3 is on the minus strand). VCF-style: chr6-83172034-A-G. GRCh37 (hg19) VCF-style: chr6-83881753-A-G.
Other names: c.1352T>C, p.Met451Thr (NM_001199917.2, NM_001367287.1); c.1025T>C, p.Met342Thr (NM_001199918.2); c.1268T>C, p.Met423Thr (NM_001199919.2); c.1243-1556T>C (NM_001367286.1); short protein forms M451T, M423T, M342T.
Identifiers: ClinVar variation 475000 (VCV000475000.3), dbSNP rs1554257039, ClinGen allele CA364879484.